The following is an entry in ClinVar:

NM_001405607.1(PBRM1):c.3997G>A (p.Glu1333Lys)

Gene: PBRM1 (polybromo 1; minus strand). Cytogenetic location: 3p21.1.
Variant type: single nucleotide variant.
Coding change: c.3997G>A on transcript NM_001405607.1 (MANE Select); coding-DNA position 3997, G replaced by A.
Protein change: p.Glu1333Lys; replaces glutamic acid 1333 with lysine.
Molecular consequence: missense variant. On other transcripts: non-coding transcript variant (2).
Genome position (GRCh38, 1-based): chr3:52,563,417, C>T on the plus strand (G>A on the coding strand, the complement: PBRM1 is on the minus strand). VCF-style: chr3-52563417-C-T. GRCh37 (hg19) VCF-style: chr3-52597433-C-T.
Other names: c.4060G>A, p.Glu1354Lys (NM_001350074.2, NM_001350078.2, NM_001366070.2); c.3952G>A, p.Glu1318Lys (NM_001350075.2, NM_001394867.1, NM_001394868.1 and 34 more transcripts); c.4057G>A, p.Glu1353Lys (NM_001350076.2, NM_001405554.1); c.4051G>A, p.Glu1351Lys (NM_001350077.2); c.3940G>A, p.Glu1314Lys (NM_001350079.2); c.4015G>A, p.Glu1339Lys (NM_001366071.2, NM_001366072.2, NM_001405553.1 and 1 more transcripts); c.4006G>A, p.Glu1336Lys (NM_001366073.2, NM_001394870.1, NM_001405600.1); c.4003G>A, p.Glu1335Lys (NM_001366074.2, NM_001405574.1); and 26 more; short protein forms E1255K, E1260K, E1270K, E1279K, E1285K, E1286K, E1292K, E1293K.
Identifiers: ClinVar variation 3764511 (VCV003764511.1).

ClinVar aggregate classification (germline): Likely benign (1 of 4 stars; one submission).

Conditions:
Hereditary cancer. Identifiers: MedGen C1333600.

gnomAD v4.1: 191 of 1,613,830 alleles (0.012%); highest among the groups gnomAD compares: Non-Finnish European, 0.014%; no homozygotes.

Submission:

Mendelics
Classification: Likely benign for Hereditary cancer. Last evaluated: 2025-02-04. Review status: criteria provided, single submitter. Criteria: ACMG Guidelines, 2015. Collection method: clinical testing. Allele origin: unknown.
Comment: This variant is considered likely benign or benign based on one or more of the following: it is predicted to be benign by multiple in silico algorithms, and/or has population frequency not consistent with disease, and/or has normal protein function, and/or has lack of segregation with disease, and/or has been detected in co-occurrence with known pathogenic variant, and/or has lack of disease association in case-control studies, and/or is located in a region inconsistent with a known cause of pathogenicity. GnomAD Frequencey 0.0001184 /0 Homozygotes. Variant with frequency in internal controls